The following is an entry in ClinVar:

NM_003611.3(OFD1):c.1309T>A (p.Tyr437Asn)

Gene: OFD1 (OFD1 centriole and centriolar satellite protein; plus strand). Cytogenetic location: Xp22.2.
Variant type: single nucleotide variant.
Coding change: c.1309T>A on transcript NM_003611.3 (MANE Select); coding-DNA position 1309, T replaced by A.
Protein change: p.Tyr437Asn; replaces tyrosine 437 with asparagine.
Molecular consequence: missense variant.
Genome position (GRCh38, 1-based): chrX:13,756,665, T>A. VCF-style: chrX-13756665-T-A. GRCh37 (hg19) VCF-style: chrX-13774784-T-A.
Other names: c.1189T>A, p.Tyr397Asn (NM_001330209.2); c.889T>A, p.Tyr297Asn (NM_001330210.2); short protein forms Y297N, Y397N, Y437N.
Identifiers: ClinVar variation 2499121 (VCV002499121.28), dbSNP rs2518910659, ClinGen allele CA412342720.

ClinVar aggregate classification (germline): Uncertain significance (1 of 4 stars; one submission).

Submission:

CeGaT Center for Human Genetics Tuebingen
Classification: Uncertain significance. Last evaluated: 2023-01-01. Review status: criteria provided, single submitter. Criteria: CeGaT Center For Human Genetics Tuebingen Variant Classification Criteria Version 2. Collection method: clinical testing. Allele origin: germline. Affected: yes. Observed: 1 variant allele.
Comment: OFD1: PM2, PP4